The following is an entry in ClinVar:

NM_012471.3(TRPC5):c.2386A>T (p.Ser796Cys)

Gene: TRPC5 (transient receptor potential cation channel subfamily C member 5; minus strand). Cytogenetic location: Xq23.
Variant type: single nucleotide variant.
Coding change: c.2386A>T on transcript NM_012471.3 (MANE Select); coding-DNA position 2386, A replaced by T.
Protein change: p.Ser796Cys; replaces serine 796 with cysteine.
Molecular consequence: missense variant.
Genome position (GRCh38, 1-based): chrX:111,776,849, T>A on the plus strand (A>T on the coding strand, the complement: TRPC5 is on the minus strand). VCF-style: chrX-111776849-T-A. GRCh37 (hg19) VCF-style: chrX-111020077-T-A.
Other names: short protein forms S796C.
Identifiers: ClinVar variation 4988799 (VCV004988799.1).

ClinVar aggregate classification (germline): Uncertain significance (1 of 4 stars; one submission).

Conditions:
TRPC5-related disorder. Also called: TRPC5-related condition.

gnomAD v4.1: 2 of 1,209,682 alleles (0.00017%); highest among the groups gnomAD compares: Admixed American, 0.0044%; no homozygotes.

Submission:

PreventionGenetics, part of Exact Sciences
Classification: Uncertain significance for TRPC5-related condition. Last evaluated: 2026-03-04. Review status: criteria provided, single submitter. Criteria: ACMG Guidelines, 2015. Collection method: clinical testing. Allele origin: germline.
Comment: The TRPC5 c.2386A>T variant is predicted to result in the amino acid substitution p.Ser796Cys. To our knowledge, this variant has not been reported in the literature or in a large population database (gnomAD), indicating this variant is rare. At this time, the clinical significance of this variant is uncertain due to the absence of conclusive functional and genetic evidence.